The following is an entry in ClinVar:

NM_002860.4(ALDH18A1):c.1358G>A (p.Arg453His)

Gene: ALDH18A1 (aldehyde dehydrogenase 18 family member A1; minus strand). Cytogenetic location: 10q24.1.
Variant type: single nucleotide variant.
Coding change: c.1358G>A on transcript NM_002860.4 (MANE Select); coding-DNA position 1358, G replaced by A.
Protein change: p.Arg453His; replaces arginine 453 with histidine.
Molecular consequence: missense variant.
Genome position (GRCh38, 1-based): chr10:95,621,140, C>T on the plus strand (G>A on the coding strand, the complement: ALDH18A1 is on the minus strand). VCF-style: chr10-95621140-C-T. GRCh37 (hg19) VCF-style: chr10-97380897-C-T.
Other names: c.1352G>A, p.Arg451His (NM_001017423.2, NM_001323415.2); c.1025G>A, p.Arg342His (NM_001323412.2, NM_001323416.2); c.1358G>A, p.Arg453His (NM_001323413.2, NM_001323414.2); c.1253G>A, p.Arg418His (NM_001323417.2); c.1019G>A, p.Arg340His (NM_001323418.2); c.722G>A, p.Arg241His (NM_001323419.2); short protein forms R241H, R340H, R342H, R418H, R451H, R453H.
Identifiers: ClinVar variation 1203888 (VCV001203888.6), dbSNP rs765122458, ClinGen allele CA5620343.

ClinVar aggregate classification (germline): Uncertain significance. Review status: criteria provided, multiple submitters, no conflicts (2 of 4 stars). 2 submissions from 2 submitters: Uncertain significance (2). Last evaluated 2025-08-18.

Conditions:
Cutis laxa, autosomal dominant 3 (ADCL3). Identifiers: Orphanet 90348, MedGen C4225268, MONDO:0014706, OMIM 616603.
Autosomal dominant spastic paraplegia type 9. Identifiers: MedGen C1832669, MONDO:0015091.
de Barsy syndrome. Also called: Cutis laxa-corneal clouding-oligophrenia syndrome. Identifiers: Orphanet 2962, MedGen C0268354, MONDO:0017569.

Allele frequency attached by ClinVar (database versions not stated): TOPMed 0.00001; gnomAD 0.00002; gnomAD exomes 0.00002; ExAC 0.00003.
gnomAD v4.1: 30 of 1,613,932 alleles (0.0019%); highest among the groups gnomAD compares: African/African-American, 0.004%; no homozygotes.

Submissions (2):

Labcorp Genetics (formerly Invitae), Labcorp
Classification: Uncertain significance for Autosomal dominant spastic paraplegia type 9; de Barsy syndrome; Cutis laxa, autosomal dominant 3. Last evaluated: 2025-08-18. Review status: criteria provided, single submitter. Criteria: Invitae Variant Classification Sherloc (09022015). Collection method: clinical testing. Allele origin: germline.
Comment: This sequence change replaces arginine, which is basic and polar, with histidine, which is basic and polar, at codon 453 of the ALDH18A1 protein (p.Arg453His). This variant is present in population databases (rs765122458, gnomAD 0.007%). This variant has not been reported in the literature in individuals affected with ALDH18A1-related conditions. ClinVar contains an entry for this variant (Variation ID: 1203888). Invitae Evidence Modeling of protein sequence and biophysical properties (such as structural, functional, and spatial information, amino acid conservation, physicochemical variation, residue mobility, and thermodynamic stability) has been performed for this missense variant. However, the output from this modeling did not meet the statistical confidence thresholds required to predict the impact of this variant on ALDH18A1 protein function. In summary, the available evidence is currently insufficient to determine the role of this variant in disease. Therefore, it has been classified as a Variant of Uncertain Significance.

GeneDx
Classification: Uncertain significance. Last evaluated: 2021-03-16. Review status: criteria provided, single submitter. Criteria: GeneDx Variant Classification Process June 2021. Collection method: clinical testing. Allele origin: germline. Affected: yes.
Comment: Has not been previously published as pathogenic or benign to our knowledge; Not observed at a significant frequency in large population cohorts (Lek et al., 2016); In silico analysis supports that this missense variant has a deleterious effect on protein structure/function